The following is an entry in ClinVar:

NM_006206.6(PDGFRA):c.497G>T (p.Gly166Val)

Gene: PDGFRA (platelet derived growth factor receptor alpha; plus strand). Cytogenetic location: 4q12.
Variant type: single nucleotide variant.
Coding change: c.497G>T on transcript NM_006206.6 (MANE Select); coding-DNA position 497, G replaced by T.
Protein change: p.Gly166Val; replaces glycine 166 with valine.
Molecular consequence: missense variant.
Genome position (GRCh38, 1-based): chr4:54,263,796, G>T. VCF-style: chr4-54263796-G-T. GRCh37 (hg19) VCF-style: chr4-55129963-G-T.
Other names: c.497G>T, p.Gly166Val (NM_001347827.2, NM_001347829.2); c.572G>T, p.Gly191Val (NM_001347828.2); c.536G>T, p.Gly179Val (NM_001347830.2); short protein forms G166V, G191V, G179V.
Identifiers: ClinVar variation 656335 (VCV000656335.10), dbSNP rs1295802121, ClinGen allele CA356889953.
Genomic context (GRCh38, chr4:54,263,796, plus strand): 5'-CCATTATACCTTGTCGCACAACTGATCCCGAGACTCCTGTAACCTTACACAACAGTGAGG[G>T]GGTGGTACCTGCCTCCTACGACAGCAGACAGGGCTTTAATGGGACCTTCACTGTAGGGCC-3'
Protein context (NP_006197.1, residues 156-176): ETPVTLHNSE[Gly166Val]VVPASYDSRQ

ClinVar aggregate classification (germline): Conflicting classifications of pathogenicity. Review status: criteria provided, conflicting classifications (1 of 4 stars). 2 submissions from 2 submitters: Uncertain significance (1); Likely benign (1). Last evaluated 2025-06-26.

Conditions:
Hereditary cancer-predisposing syndrome. Also called: Neoplastic Syndromes, Hereditary; Tumor predisposition; Hereditary Cancer Syndrome; Hereditary neoplastic syndrome. Identifiers: Orphanet 140162, MedGen C0027672, MeSH D009386, MONDO:0015356.
Gastrointestinal stromal tumor. Also called: Gastrointestinal stromal tumor, somatic; Gastrointestinal stroma tumor. Identifiers: Orphanet 44890, MedGen C0238198, MeSH D046152, MONDO:0011719, OMIM 606764, HP:0100723.

Allele frequency attached by ClinVar (database versions not stated): TOPMed below 0.00001.

Submissions (2):

Ambry Genetics
Classification: Likely benign for Hereditary cancer-predisposing syndrome. Last evaluated: 2025-06-26. Review status: criteria provided, single submitter. Criteria: Ambry Variant Classification Scheme 2023. Collection method: clinical testing. Allele origin: germline.

Labcorp Genetics (formerly Invitae), Labcorp
Classification: Uncertain significance for Gastrointestinal stromal tumor. Last evaluated: 2025-05-09. Review status: criteria provided, single submitter. Criteria: Invitae Variant Classification Sherloc (09022015). Collection method: clinical testing. Allele origin: germline.
Comment: This sequence change replaces glycine, which is neutral and non-polar, with valine, which is neutral and non-polar, at codon 166 of the PDGFRA protein (p.Gly166Val). This variant is not present in population databases (gnomAD no frequency). This variant has not been reported in the literature in individuals affected with PDGFRA-related conditions. ClinVar contains an entry for this variant (Variation ID: 656335). Invitae Evidence Modeling of protein sequence and biophysical properties (such as structural, functional, and spatial information, amino acid conservation, physicochemical variation, residue mobility, and thermodynamic stability) indicates that this missense variant is not expected to disrupt PDGFRA protein function with a negative predictive value of 80%. In summary, the available evidence is currently insufficient to determine the role of this variant in disease. Therefore, it has been classified as a Variant of Uncertain Significance.